The following is an entry in ClinVar:

ClinVar aggregate classification (germline): Benign/Likely benign. Review status: criteria provided, multiple submitters, no conflicts (2 of 4 stars). 3 submissions from 3 submitters: Benign (1); Likely benign (2). Last evaluated 2026-07-14.

Conditions:
Hereditary cancer-predisposing syndrome. Also called: Hereditary Cancer Syndrome; Hereditary neoplastic syndrome; Neoplastic Syndromes, Hereditary; Tumor predisposition. Identifiers: Orphanet 140162, MedGen C0027672, MeSH D009386, MONDO:0015356.
Rhabdoid tumor predisposition syndrome 2 (RTPS2). Identifiers: Orphanet 231108, Orphanet 69077, MedGen C2750074, MONDO:0013224, OMIM 613325.

Submissions (3):

Myriad Genetics, Inc.
Classification: Benign for Rhabdoid tumor predisposition syndrome 2. Last evaluated: 2026-07-14. Review status: criteria provided, single submitter. Criteria: Myriad Autosomal Dominant, Autosomal Recessive and X-Linked Classification Criteria (2023). Collection method: clinical testing. Allele origin: unknown.
Comment: This variant is considered benign. This variant is a silent/synonymous amino acid change and it is not expected to impact splicing.

Ambry Genetics
Classification: Likely benign for Hereditary cancer-predisposing syndrome. Last evaluated: 2023-08-21. Review status: criteria provided, single submitter. Criteria: Ambry Variant Classification Scheme 2023. Collection method: clinical testing. Allele origin: germline.

Labcorp Genetics (formerly Invitae), Labcorp
Classification: Likely benign for Rhabdoid tumor predisposition syndrome 2. Last evaluated: 2019-05-06. Review status: criteria provided, single submitter. Criteria: Invitae Variant Classification Sherloc (09022015). Collection method: clinical testing. Allele origin: germline.

NM_003072.5(SMARCA4):c.3474T>C (p.Ala1158=)

Gene: SMARCA4 (SWI/SNF related BAF chromatin remodeling complex subunit ATPase 4; plus strand). Cytogenetic location: 19p13.2.
Variant type: single nucleotide variant.
Coding change: c.3474T>C on transcript NM_003072.5 (MANE Select); coding-DNA position 3474, T replaced by C.
Protein change: p.Ala1158=; no amino-acid change (alanine 1158 retained).
Molecular consequence: synonymous variant. On other transcripts: non-coding transcript variant (1).
Genome position (GRCh38, 1-based): chr19:11,030,821, T>C. VCF-style: chr19-11030821-T-C. GRCh37 (hg19) VCF-style: chr19-11141497-T-C.
Other names: c.3474T>C (NM_001128849.1); c.3474T>C, p.Ala1158= (NM_001128844.3, NM_001128845.2, NM_001128846.2 and 5 more transcripts).
Identifiers: ClinVar variation 1129528 (VCV001129528.11), dbSNP rs2146600781, ClinGen allele CA505492212.